The following is an entry in ClinVar:

NM_003995.4(NPR2):c.1684C>T (p.Arg562Trp)

Gene: NPR2 (natriuretic peptide receptor 2; plus strand). Cytogenetic location: 9p13.3.
Variant type: single nucleotide variant.
Coding change: c.1684C>T on transcript NM_003995.4 (MANE Select); coding-DNA position 1684, C replaced by T.
Protein change: p.Arg562Trp; replaces arginine 562 with tryptophan.
Molecular consequence: missense variant.
Genome position (GRCh38, 1-based): chr9:35,802,257, C>T. VCF-style: chr9-35802257-C-T. GRCh37 (hg19) VCF-style: chr9-35802254-C-T.
Other names: c.1693C>T, p.Arg565Trp (NM_001378923.1); short protein forms R562W, R565W.
Identifiers: ClinVar variation 593747 (VCV000593747.13), dbSNP rs566096931, ClinGen allele CA5051780.

ClinVar aggregate classification (germline): Uncertain significance. Review status: criteria provided, multiple submitters, no conflicts (2 of 4 stars). 2 submissions from 2 submitters: Uncertain significance (2). Last evaluated 2020-10-08.

Conditions:
Acromesomelic dysplasia 1, Maroteaux type (AMD1). Also called: ACROMESOMELIC DYSPLASIA 1; ST. HELENA DYSPLASIA. Identifiers: Orphanet 40, MedGen C1864356, MONDO:0011275, OMIM 602875.
Tall stature-scoliosis-macrodactyly of the great toes syndrome. Also called: Epiphyseal chondrodysplasia, miura type. Identifiers: Orphanet 329191, MedGen C4014690, MONDO:0014401, OMIM 615923.

Allele frequency attached by ClinVar (database versions not stated): gnomAD 0.00001 and 0.00002; gnomAD exomes 0.00001; TOPMed 0.00001; ExAC 0.00002; 1000 Genomes Project 30x 0.00016; 1000 Genomes Project 0.00020.
gnomAD v4.1: 15 of 1,605,170 alleles (0.00093%); highest among the groups gnomAD compares: African/African-American, 0.0013%; no homozygotes.

Submissions (2):

Labcorp Genetics (formerly Invitae), Labcorp
Classification: Uncertain significance for Tall stature-scoliosis-macrodactyly of the great toes syndrome; Acromesomelic dysplasia 1, Maroteaux type. Last evaluated: 2020-10-08. Review status: criteria provided, single submitter. Criteria: Invitae Variant Classification Sherloc (09022015). Collection method: clinical testing. Allele origin: germline.
Comment: This variant has not been reported in the literature in individuals with NPR2-related conditions. ClinVar contains an entry for this variant (Variation ID: 593747). This sequence change replaces arginine with tryptophan at codon 562 of the NPR2 protein (p.Arg562Trp). The arginine residue is highly conserved and there is a moderate physicochemical difference between arginine and tryptophan. This variant is present in population databases (rs566096931, ExAC 0.006%). Algorithms developed to predict the effect of missense changes on protein structure and function (SIFT, PolyPhen-2, Align-GVGD) all suggest that this variant is likely to be disruptive, but these predictions have not been confirmed by published functional studies and their clinical significance is uncertain. In summary, the available evidence is currently insufficient to determine the role of this variant in disease. Therefore, it has been classified as a Variant of Uncertain Significance.

Eurofins Ntd Llc (ga)
Classification: Uncertain significance. Last evaluated: 2017-09-12. Review status: criteria provided, single submitter. Criteria: EGL Classification Definitions 2015. Collection method: clinical testing. Allele origin: germline. Observed: 1 variant allele, 1 heterozygote.